The following is an entry in ClinVar:

NM_002291.3(LAMB1):c.5065-3T>C

Gene: LAMB1 (laminin subunit beta 1; minus strand). Cytogenetic location: 7q31.1.
Variant type: single nucleotide variant.
Coding change: c.5065-3T>C on transcript NM_002291.3 (MANE Select); 3 bases into the intron before coding-DNA position 5065, T replaced by C.
Molecular consequence: intron variant.
Genome position (GRCh38, 1-based): chr7:107,924,392, A>G on the plus strand (T>C on the coding strand, the complement: LAMB1 is on the minus strand). VCF-style: chr7-107924392-A-G. GRCh37 (hg19) VCF-style: chr7-107564837-A-G.
Identifiers: ClinVar variation 4831425 (VCV004831425.1).
Genomic context (GRCh38, chr7:107,924,392, plus strand): 5'-TTTTGGCAATTAAATTTTCTACTTTTTTATACTTTTCATCAAGTTCACCATCTAAAGTCT[A>G]TAGTTCCACATTTAGACAGAAAGAAGTGGTAATGTTAGTGTCAGTAATTACATTTAAGAG-3'

ClinVar aggregate classification (germline): Uncertain significance (1 of 4 stars; one submission).

Conditions:
Inborn genetic diseases. Identifiers: MedGen C0950123, MeSH D030342.

gnomAD v4.1: 7 of 1,595,004 alleles (0.00044%); highest among the groups gnomAD compares: South Asian, 0.0011%; no homozygotes.

Submission:

Ambry Genetics
Classification: Uncertain significance for Inborn genetic diseases. Last evaluated: 2026-01-22. Review status: criteria provided, single submitter. Criteria: Ambry Variant Classification Scheme 2023. Collection method: clinical testing. Allele origin: germline.
Comment: The c.5065-3T>C intronic alteration consists of a T to C substitution 3 nucleotides before coding exon 32 in the LAMB1 gene. Based on data from gnomAD, the C allele has an overall frequency of <0.001% (1/238556) total alleles studied. The highest observed frequency was 0.001% (1/108528) of European (non-Finnish) alleles. Based on insufficient or conflicting evidence, the clinical significance of this alteration remains unclear.